The following is an entry in ClinVar:

NM_001365276.2(TNXB):c.4957C>T (p.Arg1653Ter)

Gene: TNXB (tenascin XB; minus strand). Cytogenetic location: 6p21.33.
Variant type: single nucleotide variant.
Coding change: c.4957C>T on transcript NM_001365276.2 (MANE Select); coding-DNA position 4957, C replaced by T.
Protein change: p.Arg1653Ter; replaces arginine 1653 with a stop codon.
Molecular consequence: nonsense.
Genome position (GRCh38, 1-based): chr6:32,072,023, G>A on the plus strand (C>T on the coding strand, the complement: TNXB is on the minus strand). VCF-style: chr6-32072023-G-A. GRCh37 (hg19) VCF-style: chr6-32039800-G-A.
Other names: c.4957C>T, p.Arg1653Ter (NM_019105.8); short protein forms R1653*.
Identifiers: ClinVar variation 450861 (VCV000450861.10), dbSNP rs201184519, ClinGen allele CA3734846.

ClinVar aggregate classification (germline): Conflicting classifications of pathogenicity. Review status: criteria provided, conflicting classifications (1 of 4 stars). 5 submissions from 5 submitters: Pathogenic (1); Likely pathogenic (3); Uncertain significance (1). Last evaluated 2025-09-12.

Conditions:
Ehlers-Danlos syndrome due to tenascin-X deficiency (EDSCLL1). Also called: EHLERS-DANLOS SYNDROME, CLASSIC-LIKE; Ehlers-Danlos syndrome, classic-like, 1; TNXB-Related Classical-Like Ehlers-Danlos Syndrome; TNX DEFICIENCY; EDS DUE TO TNX DEFICIENCY. Identifiers: Orphanet 230839, MedGen C1848029, MONDO:0011670, OMIM 606408.
Vesicoureteral reflux 8 (VUR8). Identifiers: Orphanet 289365, MedGen C4014831, MONDO:0014422, OMIM 615963.
Ehlers-Danlos syndrome (EDS). Identifiers: Orphanet 98249, MedGen C0013720, MONDO:0020066.

Allele frequency attached by ClinVar (database versions not stated): gnomAD 0.00001 and 0.00003; gnomAD exomes 0.00003; ExAC 0.00006; 1000 Genomes Project 30x 0.00016; 1000 Genomes Project 0.00020.
gnomAD v4.1: 42 of 1,607,810 alleles (0.0026%); highest among the groups gnomAD compares: East Asian, 0.058%; no homozygotes.

Submissions (5):

Myriad Genetics, Inc.
Classification: Pathogenic for Ehlers-Danlos syndrome due to tenascin-X deficiency. Last evaluated: 2025-09-12. Review status: criteria provided, single submitter. Criteria: Myriad Autosomal Dominant, Autosomal Recessive and X-Linked Classification Criteria (2023). Collection method: clinical testing. Allele origin: unknown.
Comment: NM_019105.6(TNXB):c.4957C>T(R1653*) is a missense variant classified as pathogenic in the context of classical-like Ehlers-Danlos syndrome, TNXB-related. R1653* has been observed in a case with relevant disease (PMID: 31474720). Relevant functional assessments of this variant are not available in the literature. R1653* has been observed in referenced population frequency databases. In summary, NM_019105.6(TNXB):c.4957C>T(R1653*) is a missense variant that has been observed more frequently in cases with the relevant disease than in healthy populations. Please note: this variant was assessed in the context of healthy population screening.

MVZ Medizinische Genetik Mainz
Classification: Likely pathogenic for Ehlers-Danlos syndrome due to tenascin-X deficiency. Last evaluated: 2024-08-07. Review status: criteria provided, single submitter. Criteria: UK Practice Guidelines For Variant Classification V4 01 2020. Collection method: clinical testing. Allele origin: germline. Inheritance: Autosomal recessive inheritance. Affected: yes. Observed: 1 variant allele.
Comment: ACMG Criteria: PVS1,PM2_SUP

Fulgent Genetics
Classification: Likely pathogenic for Ehlers-Danlos syndrome due to tenascin-X deficiency; Vesicoureteral reflux 8. Last evaluated: 2024-04-20. Review status: criteria provided, single submitter. Criteria: ACMG Guidelines, 2015. Collection method: clinical testing. Allele origin: germline.

GeneDx
Classification: Uncertain significance. Last evaluated: 2023-09-22. Review status: criteria provided, single submitter. Criteria: GeneDx Variant Classification Process June 2021. Collection method: clinical testing. Allele origin: germline. Affected: yes.
Comment: Nonsense variant predicted to result in protein truncation or nonsense mediated decay in a gene for which loss of function is a known mechanism of disease; This variant is associated with the following publications: (PMID: 31474720)

Genome Diagnostics Laboratory, The Hospital for Sick Children
Classification: Likely pathogenic for Ehlers-Danlos syndrome. Last evaluated: 2018-07-01. Review status: criteria provided, single submitter. Criteria: ACMG Guidelines, 2015. Collection method: clinical testing. Allele origin: germline.

Literature cited by the submitters: PubMed 31474720 (cited by Myriad Genetics, Inc.).